The following is an entry in ClinVar:

ClinVar aggregate classification (germline): Benign (1 of 4 stars; one submission).

Allele frequency attached by ClinVar (database versions not stated): 1000 Genomes Project 30x 0.29138; 1000 Genomes Project 0.29193; TOPMed 0.31519; gnomAD 0.31837; gnomAD exomes 0.33034.
gnomAD v4.1: 367,874 of 1,117,100 alleles (33%); highest among the groups gnomAD compares: Middle Eastern, 47%; 62,731 homozygotes.

Submission:

Unidad de Genómica Garrahan, Hospital de Pediatría Garrahan
Classification: Benign. Last evaluated: 2024-01-24. Review status: criteria provided, single submitter. Criteria: ACMG Guidelines, 2015. Collection method: clinical testing. Allele origin: germline. Affected: no. Observed: 52 variant alleles.
Comment: This variant is classified as Benign based on local population frequency. This variant was detected in 55% of patients studied by a panel of primary immunodeficiencies. Number of patients: 52. Only high quality variants are reported.

NM_000625.4(NOS2):c.1859+88G>T

Gene: NOS2 (nitric oxide synthase 2; minus strand). Cytogenetic location: 17q11.2.
Variant type: single nucleotide variant.
Coding change: c.1859+88G>T on transcript NM_000625.4 (MANE Select); 88 bases into the intron after coding-DNA position 1859, G replaced by T.
Molecular consequence: intron variant.
Genome position (GRCh38, 1-based): chr17:27,769,447, C>A on the plus strand (G>T on the coding strand, the complement: NOS2 is on the minus strand). VCF-style: chr17-27769447-C-A. GRCh37 (hg19) VCF-style: chr17-26096473-C-A.
Identifiers: ClinVar variation 2688094 (VCV002688094.2), dbSNP rs9282801, ClinGen allele CA14375568.